The following continues an entry in ClinVar:

NM_000256.3(MYBPC3):c.1504C>T (p.Arg502Trp)

Gene: MYBPC3. ClinVar aggregate classification (germline): Pathogenic/Likely pathogenic. Pathogenic (34); Likely pathogenic (2).

Submissions 36 to 41 of 41:

Juno Genomics, Hangzhou Juno Genomics, Inc
Classification: Pathogenic for Hypertrophic cardiomyopathy 4. Review status: criteria provided, single submitter. Criteria: ACMG Guidelines, 2015. Collection method: clinical testing. Allele origin: germline. Affected: yes.
Comment: The prevalence of the variant in affected individuals is significantly increased compared to the prevalence in controls.;Co-segregation with disease in multiple affected family members in a gene definitively known to cause the disease.;For recessive disorders, detected in trans with a pathogenic variant.;Novel missense change at an amino acid residue where a different missense change determined to be pathogenic has been seen before.

CSER _CC_NCGL, University of Washington
Classification: Pathogenic for Cardiomyopathy, hypertrophic. Last evaluated: 2014-06-01. Review status: no assertion criteria provided. Collection method: research. Allele origin: germline. Inheritance: Autosomal dominant inheritance. Study: ESP 6500 variant annotation. Not counted in ClinVar's aggregate classification.
Comment: Variants classified for the Actionable exomic incidental findings in 6503 participants: challenges of variant classification manuscript

Clinical Genetics, Academic Medical Center
Classification: Pathogenic. Review status: no assertion criteria provided. Collection method: clinical testing. Allele origin: germline. Affected: yes. Study: VKGL Data-share Consensus. Not counted in ClinVar's aggregate classification.

Joint Genome Diagnostic Labs from Nijmegen and Maastricht, Radboudumc and MUMC+
Classification: Pathogenic. Review status: no assertion criteria provided. Collection method: clinical testing. Allele origin: germline. Affected: yes. Study: VKGL Data-share Consensus. Not counted in ClinVar's aggregate classification.

KTest Genetics, KTest
Classification: Likely pathogenic for Left ventricular noncompaction 10. Review status: no assertion criteria provided. Criteria: ACMG Guidelines, 2015. Collection method: clinical testing. Allele origin: germline. Affected: yes. Not counted in ClinVar's aggregate classification.

Zaffran Lab, Genetics of Cardiac Diseases Laboratory, Marseille Medical Genetics
Classification: Pathogenic for hypertrophic cardiomyopathy. Review status: no assertion criteria provided. Collection method: research. Allele origin: unknown. Affected: yes. Not counted in ClinVar's aggregate classification.

Literature cited by the submitters: PubMed 32841044 (cited by Victorian Clinical Genetics Services, Murdoch Childrens Research Institute); PubMed 25634555 (cited by Victorian Clinical Genetics Services, Murdoch Childrens Research Institute); PubMed 12707239 (cited by 12 submitters); PubMed 20378854 (cited by 14 submitters); PubMed 22267749 (cited by 5 submitters); PubMed 23396983 (cited by 7 submitters); PubMed 9562578 (cited by 5 submitters); PubMed 22386539 (cited by 4 submitters); PubMed 22555271 (cited by Color Diagnostics, LLC DBA Color Health and All of Us Research Program, National Institutes of Health); PubMed 23054336 (cited by Color Diagnostics, LLC DBA Color Health and All of Us Research Program, National Institutes of Health); PubMed 23711808 (cited by Color Diagnostics, LLC DBA Color Health and All of Us Research Program, National Institutes of Health); PubMed 27532257 (cited by 8 submitters); PubMed 29121657 (cited by 6 submitters); PubMed 30554920 (cited by 3 submitters); PubMed 30696458 (cited by Color Diagnostics, LLC DBA Color Health); PubMed 35653365 (cited by Color Diagnostics, LLC DBA Color Health and All of Us Research Program, National Institutes of Health); PubMed 37652022 (cited by Color Diagnostics, LLC DBA Color Health and Rady Children's Institute for Genomic Medicine, Rady Children's Hospital San Diego); PubMed 38186735 (cited by Color Diagnostics, LLC DBA Color Health); PubMed 38296631 (cited by Color Diagnostics, LLC DBA Color Health); PubMed 23642604 (cited by 6 submitters); PubMed 25058872 (cited by 7 submitters); PubMed 39237976 (cited by Rady Children's Institute for Genomic Medicine, Rady Children's Hospital San Diego); PubMed 26090888 (cited by Rady Children's Institute for Genomic Medicine, Rady Children's Hospital San Diego); PubMed 22589294 (cited by 4 submitters); PubMed 24793961 (cited by Ambry Genetics); PubMed 21310275 (cited by North West Genomic Laboratory Hub, Manchester University NHS Foundation Trust and AiLife Diagnostics); PubMed 16199542 (cited by 4 submitters); PubMed 15519027 (cited by 4 submitters); PubMed 19574547 (cited by 6 submitters); PubMed 18809796 (cited by 4 submitters); PubMed 20031618 (cited by Laboratory for Molecular Medicine, Mass General Brigham Personalized Medicine and Agnes Ginges Centre for Molecular Cardiology, Centenary Institute); PubMed 25637381 (cited by AiLife Diagnostics and Athena Diagnostics); PubMed 23299917 (cited by AiLife Diagnostics and Athena Diagnostics); PubMed 24055113 (cited by AiLife Diagnostics and Athena Diagnostics); PubMed 30316040 (cited by AiLife Diagnostics); PubMed 31980526 (cited by AiLife Diagnostics); PubMed 27831900 (cited by AiLife Diagnostics); PubMed 31006259 (cited by AiLife Diagnostics); PubMed 32686758 (cited by AiLife Diagnostics); PubMed 30471092 (cited by AiLife Diagnostics); PubMed 31447099 (cited by AiLife Diagnostics); PubMed 18403758 (cited by Agnes Ginges Centre for Molecular Cardiology, Centenary Institute and Women's Health and Genetics/Laboratory Corporation of America, LabCorp); PubMed 23690394 (cited by Agnes Ginges Centre for Molecular Cardiology, Centenary Institute); PubMed 21839045 (cited by Agnes Ginges Centre for Molecular Cardiology, Centenary Institute); PubMed 22563033 (cited by Agnes Ginges Centre for Molecular Cardiology, Centenary Institute); PubMed 24810389 (cited by Agnes Ginges Centre for Molecular Cardiology, Centenary Institute); PubMed 18761664 (cited by Agnes Ginges Centre for Molecular Cardiology, Centenary Institute); PubMed 20818890 (cited by Agnes Ginges Centre for Molecular Cardiology, Centenary Institute); PubMed 18409188 (cited by Women's Health and Genetics/Laboratory Corporation of America, LabCorp); PubMed 15115610 (cited by Women's Health and Genetics/Laboratory Corporation of America, LabCorp); PubMed 15166115 (cited by Women's Health and Genetics/Laboratory Corporation of America, LabCorp); PubMed 19293840 (cited by Women's Health and Genetics/Laboratory Corporation of America, LabCorp).